The following is an entry in ClinVar:

NM_014915.3(ANKRD26):c.896T>A (p.Val299Glu)

Gene: ANKRD26 (ankyrin repeat domain containing 26; minus strand). Cytogenetic location: 10p12.1.
Variant type: single nucleotide variant.
Coding change: c.896T>A on transcript NM_014915.3 (MANE Select); coding-DNA position 896, T replaced by A.
Protein change: p.Val299Glu; replaces valine 299 with glutamic acid.
Molecular consequence: missense variant.
Genome position (GRCh38, 1-based): chr10:27,077,519, A>T on the plus strand (T>A on the coding strand, the complement: ANKRD26 is on the minus strand). VCF-style: chr10-27077519-A-T. GRCh37 (hg19) VCF-style: chr10-27366448-A-T.
Other names: c.896T>A, p.Val299Glu (NM_001256053.2); short protein forms V299E.
Identifiers: ClinVar variation 4103029 (VCV004103029.1).
Genomic context (GRCh38, chr10:27,077,519, plus strand): 5'-ACAACTTCATCTTGACTATCGGAATCTCTATCCTCAAACAAAGTTCTATTTCCTGTTCTC[A>T]CAGTGCCATATGTTGCTTCTACTACAGTAAAAACAAAATAAAGAGTAAATGAAAATATAT-3'
Protein context (NP_055730.2, residues 289-309): RKNLEATYGT[Val299Glu]RTGNRTLFED

ClinVar aggregate classification (germline): Uncertain significance (1 of 4 stars; one submission).

Conditions:
Inborn genetic diseases. Identifiers: MedGen C0950123, MeSH D030342.

Submission:

Ambry Genetics
Classification: Uncertain significance for Inborn genetic diseases. Last evaluated: 2025-06-25. Review status: criteria provided, single submitter. Criteria: Ambry Variant Classification Scheme 2023. Collection method: clinical testing. Allele origin: germline.
Comment: The p.V299E variant (also known as c.896T>A), located in coding exon 9 of the ANKRD26 gene, results from a T to A substitution at nucleotide position 896. The valine at codon 299 is replaced by glutamic acid, an amino acid with dissimilar properties. This amino acid position is conserved. In addition, this alteration is predicted to be tolerated by in silico analysis. Based on the available evidence, the clinical significance of this variant remains unclear.